The following is an entry in ClinVar:

NM_001378418.1(TCF20):c.2399G>A (p.Ser800Asn)

Gene: TCF20 (transcription factor 20; minus strand). Cytogenetic location: 22q13.2.
Variant type: single nucleotide variant.
Coding change: c.2399G>A on transcript NM_001378418.1 (MANE Select); coding-DNA position 2399, G replaced by A.
Protein change: p.Ser800Asn; replaces serine 800 with asparagine.
Molecular consequence: missense variant.
Genome position (GRCh38, 1-based): chr22:42,212,907, C>T on the plus strand (G>A on the coding strand, the complement: TCF20 is on the minus strand). VCF-style: chr22-42212907-C-T. GRCh37 (hg19) VCF-style: chr22-42608913-C-T.
Other names: c.2399G>A, p.Ser800Asn (NM_005650.4, NM_181492.3); c.2399G>A (NM_005650.1); short protein forms S800N.
Identifiers: ClinVar variation 2417888 (VCV002417888.7), dbSNP rs1033585471, ClinGen allele CA324701378.

ClinVar aggregate classification (germline): Uncertain significance. Review status: criteria provided, multiple submitters, no conflicts (2 of 4 stars). 2 submissions from 2 submitters: Uncertain significance (2). Last evaluated 2025-11-01.

Conditions:
Inborn genetic diseases. Identifiers: MedGen C0950123, MeSH D030342.

Allele frequency attached by ClinVar (database versions not stated): gnomAD exomes below 0.00001; gnomAD 0.00002; TOPMed 0.00003.
gnomAD v4.1: 6 of 1,614,062 alleles (0.00037%); highest among the groups gnomAD compares: Admixed American, 0.0067%; no homozygotes.

Submissions (2):

Labcorp Genetics (formerly Invitae), Labcorp
Classification: Uncertain significance. Last evaluated: 2025-11-01. Review status: criteria provided, single submitter. Criteria: Invitae Variant Classification Sherloc (09022015). Collection method: clinical testing. Allele origin: germline.
Comment: This sequence change replaces serine, which is neutral and polar, with asparagine, which is neutral and polar, at codon 800 of the TCF20 protein (p.Ser800Asn). This variant is present in population databases (no rsID available, gnomAD 0.1%). This variant has not been reported in the literature in individuals affected with TCF20-related conditions. ClinVar contains an entry for this variant (Variation ID: 2417888). An algorithm developed to predict the effect of missense changes on protein structure and function (PolyPhen-2) suggests that this variant is likely to be tolerated. In summary, the available evidence is currently insufficient to determine the role of this variant in disease. Therefore, it has been classified as a Variant of Uncertain Significance.

Ambry Genetics
Classification: Uncertain significance for Inborn genetic diseases. Last evaluated: 2024-12-16. Review status: criteria provided, single submitter. Criteria: Ambry Variant Classification Scheme 2023. Collection method: clinical testing. Allele origin: germline.